The following is an entry in ClinVar:

NM_002168.4(IDH2):c.967+2T>C

Gene: IDH2 (isocitrate dehydrogenase (NADP(+)) 2; minus strand). Cytogenetic location: 15q26.1.
Variant type: single nucleotide variant.
Coding change: c.967+2T>C on transcript NM_002168.4 (MANE Select); the canonical splice donor site of the intron after coding-DNA position 967, T replaced by C.
Molecular consequence: splice donor variant.
Genome position (GRCh38, 1-based): chr15:90,087,110, A>G on the plus strand (T>C on the coding strand, the complement: IDH2 is on the minus strand). VCF-style: chr15-90087110-A-G. GRCh37 (hg19) VCF-style: chr15-90630342-A-G.
Other names: c.577+2T>C (NM_001290114.2); c.811+2T>C (NM_001289910.1).
Identifiers: ClinVar variation 1054473 (VCV001054473.7), dbSNP rs2151547972, ClinGen allele CA393801171.

ClinVar aggregate classification (germline): Uncertain significance (1 of 4 stars; one submission).

Conditions:
D-2-hydroxyglutaric aciduria 2 (D2HGA2). Identifiers: Orphanet 79315, MedGen C3150909, MONDO:0013345, OMIM 613657.

Submission:

Labcorp Genetics (formerly Invitae), Labcorp
Classification: Uncertain significance for D-2-hydroxyglutaric aciduria 2. Last evaluated: 2023-08-10. Review status: criteria provided, single submitter. Criteria: Invitae Variant Classification Sherloc (09022015). Collection method: clinical testing. Allele origin: germline.
Comment: In summary, the available evidence is currently insufficient to determine the role of this variant in disease. Therefore, it has been classified as a Variant of Uncertain Significance. This sequence change affects a donor splice site in intron 7 of the IDH2 gene. It is expected to disrupt RNA splicing. Variants that disrupt the donor or acceptor splice site typically lead to a loss of protein function (PMID: 16199547), however the current clinical and genetic evidence is not sufficient to establish whether loss-of-function variants in IDH2 cause disease. This variant is not present in population databases (gnomAD no frequency). This variant has not been reported in the literature in individuals affected with IDH2-related conditions. ClinVar contains an entry for this variant (Variation ID: 1054473). Algorithms developed to predict the effect of sequence changes on RNA splicing suggest that this variant may disrupt the consensus splice site.

Literature cited by the submitters: PubMed 16199547.